The following is an entry in ClinVar:

NM_001199753.2(CPT1C):c.1775G>A (p.Arg592His)

Gene: CPT1C (carnitine palmitoyltransferase 1C; plus strand). Cytogenetic location: 19q13.33.
Variant type: single nucleotide variant.
Coding change: c.1775G>A on transcript NM_001199753.2 (MANE Select); coding-DNA position 1775, G replaced by A.
Protein change: p.Arg592His; replaces arginine 592 with histidine.
Molecular consequence: missense variant. On other transcripts: non-coding transcript variant (1), intron variant (3).
Genome position (GRCh38, 1-based): chr19:49,710,766, G>A. VCF-style: chr19-49710766-G-A. GRCh37 (hg19) VCF-style: chr19-50214023-G-A.
Other names: c.1742G>A, p.Arg581His (NM_001136052.3, NM_001378485.1); c.1775G>A, p.Arg592His (NM_001199752.3, NM_001378483.1, NM_001378484.1 and 1 more transcripts); c.1841G>A, p.Arg614His (NM_001378482.1); c.1731+282G>A (NM_001378486.1, NM_001378488.1); c.1698+282G>A (NM_001378487.1); short protein forms R581H, R592H, R614H.
Identifiers: ClinVar variation 1709081 (VCV001709081.2), dbSNP rs780592269, ClinGen allele CA9582321.

ClinVar aggregate classification (germline): Uncertain significance (1 of 4 stars; one submission).

Conditions:
Hereditary spastic paraplegia 73. Also called: Spastic paraplegia 73, autosomal dominant. Identifiers: Orphanet 444099, MedGen C5568981, MONDO:0014568, OMIM 616282.

Allele frequency attached by ClinVar (database versions not stated): ExAC 0.00001; gnomAD exomes 0.00001; TOPMed 0.00001.
gnomAD v4.1: 6 of 1,613,988 alleles (0.00037%); highest among the groups gnomAD compares: East Asian, 0.0022%; no homozygotes.

Submission:

MGZ Medical Genetics Center
Classification: Uncertain significance for Hereditary spastic paraplegia 73. Last evaluated: 2022-02-02. Review status: criteria provided, single submitter. Criteria: ACMG Guidelines, 2015. Collection method: clinical testing. Allele origin: germline. Affected: yes. Observed: 1 variant allele.
Comment: ACMG criteria applied: PM2_SUP, PP3, BP4